The following is an entry in ClinVar:

NM_000628.5(IL10RB):c.707T>C (p.Leu236Pro)

Genes: IL10RB (interleukin 10 receptor subunit beta; plus strand), IFNAR2-IL10RB (IFNAR2-IL10RB readthrough; plus strand). Cytogenetic location: 21q22.11.
Variant type: single nucleotide variant.
Coding change: c.707T>C on transcript NM_000628.5 (MANE Select); coding-DNA position 707, T replaced by C.
Protein change: p.Leu236Pro; replaces leucine 236 with proline.
Molecular consequence: missense variant.
Genome position (GRCh38, 1-based): chr21:33,288,164, T>C. VCF-style: chr21-33288164-T-C. GRCh37 (hg19) VCF-style: chr21-34660469-T-C.
Other names: short protein forms L236P.
Identifiers: ClinVar variation 661440 (VCV000661440.8), dbSNP rs752218442, ClinGen allele CA10006223.

ClinVar aggregate classification (germline): Uncertain significance (1 of 4 stars; one submission).

Conditions:
Inflammatory bowel disease 25. Also called: Inflammatory bowel disease 25, early onset, autosomal recessive. Identifiers: Orphanet 238569, MedGen C2675508, MONDO:0012941, OMIM 612567.

Allele frequency attached by ClinVar (database versions not stated): gnomAD 0.00001; ExAC 0.00002; gnomAD exomes 0.00002; TOPMed 0.00002.
gnomAD v4.1: 27 of 1,614,014 alleles (0.0017%); highest among the groups gnomAD compares: Middle Eastern, 0.033%; no homozygotes.

Submission:

Labcorp Genetics (formerly Invitae), Labcorp
Classification: Uncertain significance for Inflammatory bowel disease 25. Last evaluated: 2025-01-13. Review status: criteria provided, single submitter. Criteria: Invitae Variant Classification Sherloc (09022015). Collection method: clinical testing. Allele origin: germline.
Comment: This sequence change replaces leucine, which is neutral and non-polar, with proline, which is neutral and non-polar, at codon 236 of the IL10RB protein (p.Leu236Pro). This variant is present in population databases (rs752218442, gnomAD 0.004%). This variant has not been reported in the literature in individuals affected with IL10RB-related conditions. ClinVar contains an entry for this variant (Variation ID: 661440). Invitae Evidence Modeling of protein sequence and biophysical properties (such as structural, functional, and spatial information, amino acid conservation, physicochemical variation, residue mobility, and thermodynamic stability) indicates that this missense variant is expected to disrupt IL10RB protein function with a positive predictive value of 80%. In summary, the available evidence is currently insufficient to determine the role of this variant in disease. Therefore, it has been classified as a Variant of Uncertain Significance.